The following is an entry in ClinVar:

ClinVar aggregate classification (germline): Uncertain significance (1 of 4 stars; one submission).

Conditions:
Hepatic methionine adenosyltransferase deficiency. Also called: Isolated Persistent Hypermethioninemia; MAT I/III DEFICIENCY; Methionine adenosyltransferase deficiency; Deficiency of methionine adenosyltransferase. Identifiers: Orphanet 168598, MedGen C0268621, MeSH C564683, MONDO:0009607, OMIM 250850.

Allele frequency attached by ClinVar (database versions not stated): gnomAD exomes below 0.00001 and 0.00001; ExAC 0.00001; gnomAD 0.00001; TOPMed 0.00002; ESP Exome Variant Server 0.00015.
gnomAD v4.1: 8 of 1,613,894 alleles (0.0005%); highest among the groups gnomAD compares: African/African-American, 0.0013%; no homozygotes.

Submission:

Labcorp Genetics (formerly Invitae), Labcorp
Classification: Uncertain significance for Hepatic methionine adenosyltransferase deficiency. Last evaluated: 2022-03-22. Review status: criteria provided, single submitter. Criteria: Invitae Variant Classification Sherloc (09022015). Collection method: clinical testing. Allele origin: germline.
Comment: In summary, the available evidence is currently insufficient to determine the role of this variant in disease. Therefore, it has been classified as a Variant of Uncertain Significance. Variants that disrupt the consensus splice site are a relatively common cause of aberrant splicing (PMID: 17576681, 9536098). Algorithms developed to predict the effect of sequence changes on RNA splicing suggest that this variant is not likely to affect RNA splicing. This variant has not been reported in the literature in individuals affected with MAT1A-related conditions. This variant is present in population databases (rs374316399, gnomAD 0.0009%). This sequence change falls in intron 4 of the MAT1A gene. It does not directly change the encoded amino acid sequence of the MAT1A protein. It affects a nucleotide within the consensus splice site.

Literature cited by the submitters: PubMed 17576681; PubMed 9536098.

NM_000429.3(MAT1A):c.406-3C>T

Gene: MAT1A (methionine adenosyltransferase 1A; minus strand). Cytogenetic location: 10q22.3.
Variant type: single nucleotide variant.
Coding change: c.406-3C>T on transcript NM_000429.3 (MANE Select); 3 bases into the intron before coding-DNA position 406, C replaced by T.
Molecular consequence: intron variant.
Genome position (GRCh38, 1-based): chr10:80,280,319, G>A on the plus strand (C>T on the coding strand, the complement: MAT1A is on the minus strand). VCF-style: chr10-80280319-G-A. GRCh37 (hg19) VCF-style: chr10-82040075-G-A.
Identifiers: ClinVar variation 1465272 (VCV001465272.6), dbSNP rs374316399, ClinGen allele CA5576792.